The following is an entry in ClinVar:

NM_015047.3(EMC1):c.911A>G (p.Gln304Arg)

Genes: EMC1 (ER membrane protein complex subunit 1; minus strand), EMC1-AS1 (EMC1 antisense RNA 1; plus strand). Cytogenetic location: 1p36.13.
Variant type: single nucleotide variant.
Coding change: c.911A>G on transcript NM_015047.3 (MANE Select); coding-DNA position 911, A replaced by G.
Protein change: p.Gln304Arg; replaces glutamine 304 with arginine.
Molecular consequence: missense variant.
Genome position (GRCh38, 1-based): chr1:19,239,861, T>C on the plus strand (A>G on the coding strand, the complement: EMC1 is on the minus strand). VCF-style: chr1-19239861-T-C. GRCh37 (hg19) VCF-style: chr1-19566355-T-C.
Other names: c.911A>G, p.Gln304Arg (NM_001271427.2, NM_001271428.2, NM_001375820.1 and 1 more transcripts); c.845A>G, p.Gln282Arg (NM_001271429.2); short protein forms Q282R, Q304R.
Identifiers: ClinVar variation 3697158 (VCV003697158.2).
Genomic context (GRCh38, chr1:19,239,861, plus strand): 5'-ATGTTGCCTGCAGTTACCTGTGGGAAGTTTTTAAGCAAACTCAGCGTTCCATAATGGTAC[T>C]GCAGCAGAGCATAGTGGCTTGGGGACAAGTGCAGGAAGAACTGGGCCCGGGAAGCGTCCA-3'
Protein context (NP_055862.1, residues 294-314): HLSPSHYALL[Gln304Arg]YHYGTLSLLK

ClinVar aggregate classification (germline): Uncertain significance (1 of 4 stars; one submission).

gnomAD v4.1: 3 of 1,614,014 alleles (0.00019%); highest among the groups gnomAD compares: Non-Finnish European, 0.00025%; no homozygotes.

Submission:

Labcorp Genetics (formerly Invitae), Labcorp
Classification: Uncertain significance. Last evaluated: 2024-02-20. Review status: criteria provided, single submitter. Criteria: Invitae Variant Classification Sherloc (09022015). Collection method: clinical testing. Allele origin: germline.
Comment: This sequence change replaces glutamine, which is neutral and polar, with arginine, which is basic and polar, at codon 304 of the EMC1 protein (p.Gln304Arg). This variant is present in population databases (no rsID available, gnomAD 0.0009%). This variant has not been reported in the literature in individuals affected with EMC1-related conditions. Advanced modeling of protein sequence and biophysical properties (such as structural, functional, and spatial information, amino acid conservation, physicochemical variation, residue mobility, and thermodynamic stability) performed at Invitae indicates that this missense variant is not expected to disrupt EMC1 protein function with a negative predictive value of 80%. In summary, the available evidence is currently insufficient to determine the role of this variant in disease. Therefore, it has been classified as a Variant of Uncertain Significance.